The following is an entry in ClinVar:

NM_001267550.2(TTN):c.91542TAT[1] (p.Ile30515del)

Genes: TTN (titin; minus strand), TTN-AS1 (TTN antisense RNA 1; plus strand). Cytogenetic location: 2q31.2.
Variant type: Microsatellite.
Coding change: c.91542TAT[1] on transcript NM_001267550.2 (MANE Select); one copy of the 3-base unit TAT starting at c.91542; the reference has two copies in a row; one copy, 3 bases deleted.
Protein change: p.Ile30515del; deletes isoleucine 30515.
Molecular consequence: inframe deletion.
Genome position (GRCh38, 1-based): chr2:178,550,984-178,550,986, ATA deleted on the plus strand (TAT on the coding strand, the reverse complement: TTN is on the minus strand); deleting any 3 consecutive bases within chr2:178,550,984-178,550,991 gives the same sequence; the position shown is the placement nearest the transcript's 3' end. VCF-style (leftmost placement, unchanged base first): chr2-178550983-CATA-C. GRCh37 (hg19) VCF-style: chr2-179415710-CATA-C.
Other names: c.86619TAT[1], p.Ile28874del (NM_001256850.1); c.64347TAT[1], p.Ile21450del (NM_003319.4); c.83838TAT[1], p.Ile27947del (NM_133378.4); c.64722TAT[1], p.Ile21575del (NM_133432.3); c.64923TAT[1], p.Ile21642del (NM_133437.4); c.83841_83843delTAT (NM_133378.4); c.91545_91547delTAT (NM_001267550.2); short protein forms I30515del, I21575del, I27947del, I21642del, I21450del, I28874del.
Identifiers: ClinVar variation 535636 (VCV000535636.4), dbSNP rs748002494, ClinGen allele CA1987615.
Genomic context (GRCh38, chr2:178,550,983, plus strand): 5'-GTGAATGCTCTTAGTCTCATTGGAAATAAGTTGTAAATGCTTACCATTTTCATCTCTTGT[CATA>C]ATAATGCCAGAAGACTGTGAGGGCGGGCTTATAGTTCCAACAGCATTTCTTGCAATTATT-3'

ClinVar aggregate classification (germline): Uncertain significance. Review status: criteria provided, multiple submitters, no conflicts (2 of 4 stars). 2 submissions from 2 submitters: Uncertain significance (2). Last evaluated 2026-06-03.

Conditions:
Autosomal recessive limb-girdle muscular dystrophy type 2J (LGMDR10). Also called: MUSCULAR DYSTROPHY, LIMB-GIRDLE, AUTOSOMAL RECESSIVE 10; Limb-girdle muscular dystrophy, type 2J. Identifiers: Orphanet 140922, MedGen C1837342, MONDO:0012127, OMIM 608807.
Dilated cardiomyopathy 1G (CMD1G). Identifiers: Orphanet 154, MedGen C1858763, MONDO:0011400, OMIM 604145.

Submissions (2):

Women's Health and Genetics/Laboratory Corporation of America, LabCorp
Classification: Uncertain significance. Last evaluated: 2026-06-03. Review status: criteria provided, single submitter. Criteria: LabCorp Variant Classification Summary - May 2015. Collection method: clinical testing. Allele origin: germline.
Comment: Variant summary: TTN c.83841_83843delTAT (p.Ile27947del) results in an in-frame deletion that is predicted to remove one amino acid from the encoded protein. The variant allele was found at a frequency of 8.1e-06 in 247266 control chromosomes. The available data on variant occurrences in the general population are insufficient to allow any conclusion about variant significance. To our knowledge, no occurrence of c.83841_83843delTAT in individuals affected with TTN-related conditions and no experimental evidence demonstrating its impact on protein function have been reported. ClinVar contains an entry for this variant (Variation ID: 535636). Based on the evidence outlined above, the variant was classified as uncertain significance.

Labcorp Genetics (formerly Invitae), Labcorp
Classification: Uncertain significance for Dilated cardiomyopathy 1G; Autosomal recessive limb-girdle muscular dystrophy type 2J. Last evaluated: 2017-08-08. Review status: criteria provided, single submitter. Criteria: Invitae Variant Classification Sherloc (09022015). Collection method: clinical testing. Allele origin: germline.